The following is an entry in ClinVar:

NM_020975.6(RET):c.2731-2A>G

Gene: RET (ret proto-oncogene; plus strand). Cytogenetic location: 10q11.21.
Variant type: single nucleotide variant.
Coding change: c.2731-2A>G on transcript NM_020975.6 (MANE Select); the canonical splice acceptor site of the intron before coding-DNA position 2731, A replaced by G.
Molecular consequence: splice acceptor variant.
Genome position (GRCh38, 1-based): chr10:43,121,944, A>G. VCF-style: chr10-43121944-A-G. GRCh37 (hg19) VCF-style: chr10-43617392-A-G.
Other names: c.2731-2A>G (NM_020630.7, NM_001406743.1, NM_001406744.1 and 2 more transcripts); c.2596-2A>G (NM_001406765.1, NM_001406763.1); c.2335-2A>G (NM_001406772.1, NM_001406769.1); c.2293-2A>G (NM_001406773.1, NM_001406771.1); c.1834-2A>G (NM_001406782.1, NM_001406780.1, NM_001406779.1 and 1 more transcripts); c.1699-2A>G (NM_001406787.1); c.1714-2A>G (NM_001406785.1); c.2602-2A>G (NM_001406764.1, NM_001406762.1, NM_001406761.1); and 10 more.
Identifiers: ClinVar variation 2635087 (VCV002635087.1), dbSNP rs2132983720, ClinGen allele CA376557379.
Genomic context (GRCh38, chr10:43,121,944, plus strand): 5'-TTTACCCCTCCTTCCTAGAGAGTTAGAGTAACTTCAATGTCTTTATTCCATCTTCTCTTT[A>G]GGGTCGGATTCCAGTTAAATGGATGGCAATTGAATCCCTTTTTGATCATATCTACACCAC-3'

ClinVar aggregate classification (germline): Likely pathogenic (1 of 4 stars; one submission).

Conditions:
RET-related disorder. Also called: RET-related disorders; RET-related condition; RET-related disease.

Submission:

PreventionGenetics, part of Exact Sciences
Classification: Likely pathogenic for RET-related condition. Last evaluated: 2022-12-01. Review status: criteria provided, single submitter. Criteria: ACMG Guidelines, 2015. Collection method: clinical testing. Allele origin: germline.
Comment: The RET c.2731-2A>G variant is predicted to disrupt the AG splice acceptor site and interfere with normal splicing. To our knowledge, this variant has not been reported in the literature or in a large population database, indicating this variant is rare. However, variants that disrupt the consensus splice acceptor site in RET are expected to be pathogenic as others have been reported upstream and downstream of this position in patients with Hirschsprung disease phenotypes (Tang et al. 2018. PubMed ID: 30217742; HGMD, Human Gene Mutation Database). Taken together, this variant is interpreted as likely pathogenic.